The following is an entry in ClinVar:

NM_016263.4(FZR1):c.874A>G (p.Met292Val)

Gene: FZR1 (fizzy and cell division cycle 20 related 1; plus strand). Cytogenetic location: 19p13.3.
Variant type: single nucleotide variant.
Coding change: c.874A>G on transcript NM_016263.4 (MANE Select); coding-DNA position 874, A replaced by G.
Protein change: p.Met292Val; replaces methionine 292 with valine.
Molecular consequence: missense variant.
Genome position (GRCh38, 1-based): chr19:3,531,961, A>G. VCF-style: chr19-3531961-A-G. GRCh37 (hg19) VCF-style: chr19-3531959-A-G.
Other names: c.607A>G, p.Met203Val (NM_001136197.1); c.874A>G, p.Met292Val (NM_001136198.1); short protein forms M292V, M203V.
Identifiers: ClinVar variation 2353389 (VCV002353389.7), dbSNP rs202153731, ClinGen allele CA9078414.
Genomic context (GRCh38, chr19:3,531,961, plus strand): 5'-TGGCCTCCAGGGGCGCTGGCCTGGAATGCTGAGCAGCTGTCGTCCGGGAGCCGCGACCGC[A>G]TGATCCTGCAGAGGGACATCCGCACCCCGCCACTGCAGTCGGAGCGGCGGCTGCAGGGCC-3'
Protein context (NP_057347.2, residues 282-302): EQLSSGSRDR[Met292Val]ILQRDIRTPP

ClinVar aggregate classification (germline): Conflicting classifications of pathogenicity. Review status: criteria provided, conflicting classifications (1 of 4 stars). 3 submissions from 3 submitters: Uncertain significance (1); Likely benign (1). 1 of the submissions does not count toward it. Last evaluated 2026-07-01.

Conditions:
Inborn genetic diseases. Identifiers: MedGen C0950123, MeSH D030342.
FZR1-related condition.

Allele frequency attached by ClinVar (database versions not stated): 1000 Genomes Project 30x 0.00016; gnomAD 0.00030; TOPMed 0.00036; ESP Exome Variant Server 0.00054; ExAC 0.00064.
gnomAD v4.1: 746 of 1,584,374 alleles (0.047%); highest among the groups gnomAD compares: Middle Eastern, 0.071%; 1 homozygote.

Submissions (3):

CeGaT Center for Human Genetics Tuebingen
Classification: Likely benign. Last evaluated: 2026-07-01. Review status: criteria provided, single submitter. Criteria: CeGaT Center For Human Genetics Tuebingen Variant Classification Criteria Version 2. Collection method: clinical testing. Allele origin: germline. Affected: yes. Observed: 2 variant alleles.
Comment: FZR1: PP2, BS2

Ambry Genetics
Classification: Uncertain significance for Inborn genetic diseases. Last evaluated: 2023-12-26. Review status: criteria provided, single submitter. Criteria: Ambry Variant Classification Scheme 2023. Collection method: clinical testing. Allele origin: germline.

PreventionGenetics, part of Exact Sciences
Classification: Likely benign for FZR1-related condition. Last evaluated: 2024-06-19. Review status: no assertion criteria provided. Collection method: clinical testing. Allele origin: germline. Not counted in ClinVar's aggregate classification.
Comment: This variant is classified as likely benign based on ACMG/AMP sequence variant interpretation guidelines (Richards et al. 2015 PMID: 25741868, with internal and published modifications).